The following is an entry in ClinVar:

NM_020812.4(DOCK6):c.3266C>T (p.Pro1089Leu)

Gene: DOCK6 (dedicator of cytokinesis 6; minus strand). Cytogenetic location: 19p13.2.
Variant type: single nucleotide variant.
Coding change: c.3266C>T on transcript NM_020812.4 (MANE Select); coding-DNA position 3266, C replaced by T.
Protein change: p.Pro1089Leu; replaces proline 1089 with leucine.
Molecular consequence: missense variant.
Genome position (GRCh38, 1-based): chr19:11,222,223, G>A on the plus strand (C>T on the coding strand, the complement: DOCK6 is on the minus strand). VCF-style: chr19-11222223-G-A. GRCh37 (hg19) VCF-style: chr19-11332899-G-A.
Other names: c.3371C>T, p.Pro1124Leu (NM_001367830.1); c.3266C>T (NM_020812.2); short protein forms P1124L, P1089L.
Identifiers: ClinVar variation 1442711 (VCV001442711.6), dbSNP rs377402441, ClinGen allele CA9207308.
Genomic context (GRCh38, chr19:11,222,223, plus strand): 5'-AGGAAGTGCTGCTGCCGGAATGGTCCACTCAGTTCGAACATGCTGGTCACCTTGGGGTCC[G>A]GGGCTTGGCTGGAGAAGGTGGAGCTCTGCAGAGTGGGGGAAAAATGGGGGATGCCAGCGG-3'
Protein context (NP_065863.2, residues 1079-1099): SQSSTFSSQA[Pro1089Leu]DPKVTSMFEL

ClinVar aggregate classification (germline): Uncertain significance. Review status: criteria provided, multiple submitters, no conflicts (2 of 4 stars). 2 submissions from 2 submitters: Uncertain significance (2). Last evaluated 2023-04-25.

Conditions:
Inborn genetic diseases. Identifiers: MedGen C0950123, MeSH D030342.

Allele frequency attached by ClinVar (database versions not stated): gnomAD 0.00001 and 0.00002; TOPMed 0.00002; gnomAD exomes 0.00003; ExAC 0.00006; ESP Exome Variant Server 0.00008.
gnomAD v4.1: 17 of 1,603,290 alleles (0.0011%); highest among the groups gnomAD compares: Admixed American, 0.0069%; no homozygotes.

Submissions (2):

Ambry Genetics
Classification: Uncertain significance for Inborn genetic diseases. Last evaluated: 2023-04-25. Review status: criteria provided, single submitter. Criteria: Ambry Variant Classification Scheme 2023. Collection method: clinical testing. Allele origin: germline.

Labcorp Genetics (formerly Invitae), Labcorp
Classification: Uncertain significance. Last evaluated: 2021-09-17. Review status: criteria provided, single submitter. Criteria: Invitae Variant Classification Sherloc (09022015). Collection method: clinical testing. Allele origin: germline.
Comment: This sequence change replaces proline with leucine at codon 1089 of the DOCK6 protein (p.Pro1089Leu). The proline residue is moderately conserved and there is a moderate physicochemical difference between proline and leucine. This variant is present in population databases (rs377402441, ExAC 0.02%). This variant has not been reported in the literature in individuals affected with DOCK6-related conditions. Algorithms developed to predict the effect of missense changes on protein structure and function (SIFT, PolyPhen-2, Align-GVGD) all suggest that this variant is likely to be tolerated. In summary, the available evidence is currently insufficient to determine the role of this variant in disease. Therefore, it has been classified as a Variant of Uncertain Significance.